The following is an entry in ClinVar:

ClinVar aggregate classification (germline): Benign. Review status: criteria provided, multiple submitters, no conflicts (2 of 4 stars). 3 submissions from 3 submitters: Benign (3). Last evaluated 2026-02-03.

Conditions:
Familial encephalopathy with neuroserpin inclusion bodies. Also called: ENCEPHALOPATHY, FAMILIAL, WITH COLLINS BODIES. Identifiers: Orphanet 85110, MedGen C1858680, MONDO:0011412, OMIM 604218.

Allele frequency attached by ClinVar (database versions not stated): gnomAD exomes 0.00162; ExAC 0.00224; gnomAD 0.00651 and 0.00693; ESP Exome Variant Server 0.00700; TOPMed 0.00710; 1000 Genomes Project 30x 0.00718; 1000 Genomes Project 0.00739.
gnomAD v4.1: 1,750 of 1,611,036 alleles (0.11%); highest among the groups gnomAD compares: African/African-American, 2.2%; 20 homozygotes.

Submissions (7):

Labcorp Genetics (formerly Invitae), Labcorp
Classification: Benign for Familial encephalopathy with neuroserpin inclusion bodies. Last evaluated: 2026-02-03. Review status: criteria provided, single submitter. Criteria: Invitae Variant Classification Sherloc (09022015). Collection method: clinical testing. Allele origin: germline.

Mayo Clinic Laboratories, Mayo Clinic
Classification: Benign. Last evaluated: 2023-05-05. Review status: criteria provided, single submitter. Criteria: ACMG Guidelines, 2015. Collection method: clinical testing. Allele origin: germline. Observed: 3 variant alleles.
Comment: BS1, BS2, BP4, BP7

Breakthrough Genomics
Classification: Benign. Review status: criteria provided, single submitter. Criteria: ACMG Guidelines, 2015. Collection method: not provided. Allele origin: germline. Inheritance: Autosomal dominant inheritance. Affected: yes.

Dr. Peter K. Rogan Lab, Western University
No classification provided (evidence only). Condition: Lung cancer. Review status: no classification provided. Collection method: in vitro. Allele origin: not applicable. Functional consequence: retained intron. Not counted in ClinVar's aggregate classification.

Dr. Peter K. Rogan Lab, Western University
No classification provided (evidence only). Condition: Lung cancer. Review status: no classification provided. Collection method: in vitro. Allele origin: not applicable. Functional consequence: retained intron. Not counted in ClinVar's aggregate classification.

Dr. Peter K. Rogan Lab, Western University
No classification provided (evidence only). Condition: Ovarian serous cystadenocarcinoma. Review status: no classification provided. Collection method: in vitro. Allele origin: not applicable. Functional consequence: retained intron. Not counted in ClinVar's aggregate classification.

Dr. Peter K. Rogan Lab, Western University
No classification provided (evidence only). Condition: Uterine carcinosarcoma. Review status: no classification provided. Collection method: in vitro. Allele origin: not applicable. Functional consequence: retained intron. Not counted in ClinVar's aggregate classification.

NM_001122752.2(SERPINI1):c.881+10T>G

Gene: SERPINI1 (serpin family I member 1; plus strand). Cytogenetic location: 3q26.1.
Variant type: single nucleotide variant.
Coding change: c.881+10T>G on transcript NM_001122752.2 (MANE Select); 10 bases into the intron after coding-DNA position 881, T replaced by G.
Molecular consequence: intron variant.
Genome position (GRCh38, 1-based): chr3:167,794,834, T>G. VCF-style: chr3-167794834-T-G. GRCh37 (hg19) VCF-style: chr3-167512622-T-G.
Other names: p.?; c.881+10T>G (NM_005025.5).
Identifiers: ClinVar variation 466623 (VCV000466623.15), dbSNP rs113533056, ClinGen allele CA2694899.